The following is an entry in ClinVar:

ClinVar aggregate classification (germline): Uncertain significance (1 of 4 stars; one submission).

Conditions:
Encephalopathy, acute, infection-induced (herpes-specific), susceptibility to, 1. Also called: Herpes simplex encephalitis, susceptibility to, 1. Identifiers: Orphanet 1930, MedGen C2750180, MONDO:0024563, OMIM 610551.

gnomAD v4.1: 1 of 1,614,004 alleles (0.000062%); highest among the groups gnomAD compares: Non-Finnish European, 0.000085%; no homozygotes.

Submission:

Labcorp Genetics (formerly Invitae), Labcorp
Classification: Uncertain significance for Encephalopathy, acute, infection-induced (herpes-specific), susceptibility to, 1. Last evaluated: 2022-10-07. Review status: criteria provided, single submitter. Criteria: Invitae Variant Classification Sherloc (09022015). Collection method: clinical testing. Allele origin: germline.
Comment: This variant is present in population databases (rs371978453, gnomAD 0.0009%). This variant has not been reported in the literature in individuals affected with TLR3-related conditions. ClinVar contains an entry for this variant (Variation ID: 1504695). Algorithms developed to predict the effect of missense changes on protein structure and function (SIFT, PolyPhen-2, Align-GVGD) all suggest that this variant is likely to be tolerated. In summary, the available evidence is currently insufficient to determine the role of this variant in disease. Therefore, it has been classified as a Variant of Uncertain Significance. This sequence change replaces glycine, which is neutral and non-polar, with aspartic acid, which is acidic and polar, at codon 13 of the TLR3 protein (p.Gly13Asp).

NM_003265.3(TLR3):c.38G>A (p.Gly13Asp)

Gene: TLR3 (toll like receptor 3; plus strand). Cytogenetic location: 4q35.1.
Variant type: single nucleotide variant.
Coding change: c.38G>A on transcript NM_003265.3 (MANE Select); coding-DNA position 38, G replaced by A.
Protein change: p.Gly13Asp; replaces glycine 13 with aspartic acid.
Molecular consequence: missense variant.
Genome position (GRCh38, 1-based): chr4:186,076,657, G>A. VCF-style: chr4-186076657-G-A. GRCh37 (hg19) VCF-style: chr4-186997811-G-A.
Other names: short protein forms G13D.
Identifiers: ClinVar variation 1504695 (VCV001504695.8), dbSNP rs371978453, ClinGen allele CA3161145.